The following is an entry in ClinVar:

ClinVar aggregate classification (germline): Conflicting classifications of pathogenicity. Review status: criteria provided, conflicting classifications (1 of 4 stars). 3 submissions from 3 submitters: Uncertain significance (1); Likely benign (2). Last evaluated 2025-10-23.

Conditions:
Familial thoracic aortic aneurysm and aortic dissection (TAAD). Also called: Thoracic aortic aneurysms and dissections. Identifiers: Orphanet 91387, MedGen C4707243, MONDO:0019625.
Adams-Oliver syndrome 5 (AOS5). Identifiers: Orphanet 974, MedGen C4014970, MONDO:0014459, OMIM 616028.

Allele frequency attached by ClinVar (database versions not stated): gnomAD exomes 0.00001 and 0.00002; ExAC 0.00003; gnomAD 0.00003; TOPMed 0.00004; 1000 Genomes Project 30x 0.00016; 1000 Genomes Project 0.00020.
gnomAD v4.1: 19 of 1,611,506 alleles (0.0012%); highest among the groups gnomAD compares: East Asian, 0.0067%; no homozygotes.

Submissions (3):

Ambry Genetics
Classification: Uncertain significance for Familial thoracic aortic aneurysm and aortic dissection. Last evaluated: 2025-10-23. Review status: criteria provided, single submitter. Criteria: Ambry Variant Classification Scheme 2023. Collection method: clinical testing. Allele origin: germline.
Comment: The p.G1242S variant (also known as c.3724G>A), located in coding exon 23 of the NOTCH1 gene, results from a G to A substitution at nucleotide position 3724. The glycine at codon 1242 is replaced by serine, an amino acid with similar properties. This amino acid position is conserved. In addition, this alteration is predicted to be deleterious by in silico analysis. Based on the available evidence, the clinical significance of this variant remains unclear.

Labcorp Genetics (formerly Invitae), Labcorp
Classification: Likely benign for Adams-Oliver syndrome 5. Last evaluated: 2024-09-10. Review status: criteria provided, single submitter. Criteria: Invitae Variant Classification Sherloc (09022015). Collection method: clinical testing. Allele origin: germline.

Blueprint Genetics
Classification: Likely benign. Last evaluated: 2022-07-29. Review status: criteria provided, single submitter. Criteria: ACMG Guidelines, 2015. Collection method: clinical testing. Allele origin: germline.

NM_017617.5(NOTCH1):c.3724G>A (p.Gly1242Ser)

Gene: NOTCH1 (notch receptor 1; minus strand). Cytogenetic location: 9q34.3.
Variant type: single nucleotide variant.
Coding change: c.3724G>A on transcript NM_017617.5 (MANE Select); coding-DNA position 3724, G replaced by A.
Protein change: p.Gly1242Ser; replaces glycine 1242 with serine.
Molecular consequence: missense variant.
Genome position (GRCh38, 1-based): chr9:136,506,893, C>T on the plus strand (G>A on the coding strand, the complement: NOTCH1 is on the minus strand). VCF-style: chr9-136506893-C-T. GRCh37 (hg19) VCF-style: chr9-139401345-C-T.
Other names: c.3724G>A (NM_017617.3); short protein forms G1242S.
Identifiers: ClinVar variation 1000120 (VCV001000120.11), dbSNP rs558191127, ClinGen allele CA5340814.
Genomic context (GRCh38, chr9:136,506,893, plus strand): 5'-CACCCACGAAGCCCGGCGGGCAGGTGCAGCTGTAGCCGCCCACCTGGTCCACGCAGGTGC[C>T]GTTGTTAAAGCACTTGGGGCTCCGGGACACGGGGTCAACGGGGGGATTGCAGTCGTCCAC-3'
Protein context (NP_060087.3, residues 1232-1252): VSRSPKCFNN[Gly1242Ser]TCVDQVGGYS